The following is an entry in ClinVar:

NM_020719.3(PRR12):c.4265C>T (p.Pro1422Leu)

Gene: PRR12 (proline rich 12; plus strand). Cytogenetic location: 19q13.33.
Variant type: single nucleotide variant.
Coding change: c.4265C>T on transcript NM_020719.3 (MANE Select); coding-DNA position 4265, C replaced by T.
Protein change: p.Pro1422Leu; replaces proline 1422 with leucine.
Molecular consequence: missense variant.
Genome position (GRCh38, 1-based): chr19:49,599,858, C>T. VCF-style: chr19-49599858-C-T. GRCh37 (hg19) VCF-style: chr19-50103115-C-T.
Other names: short protein forms P1422L.
Identifiers: ClinVar variation 2364709 (VCV002364709.3), dbSNP rs377189669, ClinGen allele CA9578432.

ClinVar aggregate classification (germline): Likely benign. Review status: criteria provided, multiple submitters, no conflicts (2 of 4 stars). 2 submissions from 2 submitters: Likely benign (2). Last evaluated 2026-09-01.

Conditions:
Inborn genetic diseases. Identifiers: MedGen C0950123, MeSH D030342.

Allele frequency attached by ClinVar (database versions not stated): ESP Exome Variant Server 0.00008; ExAC 0.00009; gnomAD 0.00009; gnomAD exomes 0.00018; TOPMed 0.00026.
gnomAD v4.1: 290 of 1,612,994 alleles (0.018%); highest among the groups gnomAD compares: Non-Finnish European, 0.022%; no homozygotes.

Submissions (2):

CeGaT Center for Human Genetics Tuebingen
Classification: Likely benign. Last evaluated: 2026-09-01. Review status: criteria provided, single submitter. Criteria: CeGaT Center For Human Genetics Tuebingen Variant Classification Criteria Version 2. Collection method: clinical testing. Allele origin: germline. Affected: yes. Observed: 1 variant allele.
Comment: PRR12: BP4

Ambry Genetics
Classification: Likely benign for Inborn genetic diseases. Last evaluated: 2022-03-11. Review status: criteria provided, single submitter. Criteria: Ambry Variant Classification Scheme 2023. Collection method: clinical testing. Allele origin: germline.